The following is an entry in ClinVar:

ClinVar aggregate classification (germline): Likely benign. Review status: criteria provided, multiple submitters, no conflicts (2 of 4 stars). 3 submissions from 3 submitters: Likely benign (3). Last evaluated 2026-09-01.

Conditions:
Floating-Harbor syndrome (FLHS). Also called: Short stature with delayed bone age, expressive language delay, a triangular face with a prominent nose and deep-set eyes; Pelletier-Leisti syndrome; SRCAP-Related Floating-Harbor Syndrome. Identifiers: Orphanet 2044, MedGen C0729582, MONDO:0007621, OMIM 136140.
Developmental delay, hypotonia, musculoskeletal defects, and behavioral abnormalities. Identifiers: MedGen C5562012, MONDO:0859202, OMIM 619595.

Allele frequency attached by ClinVar (database versions not stated): TOPMed 0.00001; gnomAD exomes 0.00002 and 0.00007; ExAC 0.00007; ESP Exome Variant Server 0.00015.

Submissions (3):

CeGaT Center for Human Genetics Tuebingen
Classification: Likely benign. Last evaluated: 2026-09-01. Review status: criteria provided, single submitter. Criteria: CeGaT Center For Human Genetics Tuebingen Variant Classification Criteria Version 2. Collection method: clinical testing. Allele origin: germline. Affected: yes. Observed: 2 variant alleles.
Comment: SRCAP: BP4, BP7

Labcorp Genetics (formerly Invitae), Labcorp
Classification: Likely benign. Last evaluated: 2024-07-29. Review status: criteria provided, single submitter. Criteria: Invitae Variant Classification Sherloc (09022015). Collection method: clinical testing. Allele origin: germline.

Fulgent Genetics
Classification: Likely benign for Floating-Harbor syndrome; Developmental delay, hypotonia, musculoskeletal defects, and behavioral abnormalities. Last evaluated: 2021-07-26. Review status: criteria provided, single submitter. Criteria: ACMG Guidelines, 2015. Collection method: clinical testing. Allele origin: unknown.

NM_006662.3(SRCAP):c.4872A>G (p.Ser1624=)

Gene: SRCAP (Snf2 related CREBBP activator protein; plus strand). Cytogenetic location: 16p11.2.
Variant type: single nucleotide variant.
Coding change: c.4872A>G on transcript NM_006662.3 (MANE Select); coding-DNA position 4872, A replaced by G.
Protein change: p.Ser1624=; no amino-acid change (serine 1624 retained).
Molecular consequence: synonymous variant.
Genome position (GRCh38, 1-based): chr16:30,724,296, A>G. VCF-style: chr16-30724296-A-G. GRCh37 (hg19) VCF-style: chr16-30735617-A-G.
Identifiers: ClinVar variation 723187 (VCV000723187.14), dbSNP rs377094082, ClinGen allele CA8011845.